The following is an entry in ClinVar:

NM_024592.5(SRD5A3):c.448G>A (p.Val150Ile)

Gene: SRD5A3 (steroid 5 alpha-reductase 3; plus strand). Cytogenetic location: 4q12.
Variant type: single nucleotide variant.
Coding change: c.448G>A on transcript NM_024592.5 (MANE Select); coding-DNA position 448, G replaced by A.
Protein change: p.Val150Ile; replaces valine 150 with isoleucine.
Molecular consequence: missense variant.
Genome position (GRCh38, 1-based): chr4:55,364,157, G>A. VCF-style: chr4-55364157-G-A. GRCh37 (hg19) VCF-style: chr4-56230324-G-A.
Other names: short protein forms V150I.
Identifiers: ClinVar variation 903285 (VCV000903285.13), dbSNP rs151267741, ClinGen allele CA2925295.
Genomic context (GRCh38, chr4:55,364,157, plus strand): 5'-TTCTTAGTGCTAGTATTTCTGTGGCTGCACAGCTTACGAAGACTCTTCGAGTGCCTCTAC[G>A]TCAGTGTCTTCTCCAATGTCATGATTCACGTCGTGCAGTACTGTTTTGGACTTGTCTATT-3'
Protein context (NP_078868.1, residues 140-160): SLRRLFECLY[Val150Ile]SVFSNVMIHV

ClinVar aggregate classification (germline): Conflicting classifications of pathogenicity. Review status: criteria provided, conflicting classifications (1 of 4 stars). 4 submissions from 4 submitters: Uncertain significance (3); Likely benign (1). Last evaluated 2024-09-10.

Conditions:
Inborn genetic diseases. Identifiers: MedGen C0950123, MeSH D030342.
SRD5A3-congenital disorder of glycosylation. Also called: COLOBOMA, OCULAR, WITH ICHTHYOSIS, BRAIN MALFORMATIONS, AND ENDOCRINE ABNORMALITIES; CDG Iq; Congenital disorder of glycosylation type 1Q; SRD5A3-CDG; Ocular colobomas, ichthyosis, brain malformations and endocrine abnormalities. Identifiers: Orphanet 324737, MedGen C4317224, MONDO:0012885, OMIM 612379.

Allele frequency attached by ClinVar (database versions not stated): TOPMed 0.00004; gnomAD 0.00007; gnomAD exomes 0.00007; ESP Exome Variant Server 0.00015.
gnomAD v4.1: 109 of 1,614,046 alleles (0.0068%); highest among the groups gnomAD compares: Middle Eastern, 0.033%; no homozygotes.

Submissions (4):

Blueprint Genetics
Classification: Likely benign. Last evaluated: 2024-09-10. Review status: criteria provided, single submitter. Criteria: ACMG Guidelines, 2015. Collection method: clinical testing. Allele origin: germline.

Labcorp Genetics (formerly Invitae), Labcorp
Classification: Uncertain significance for SRD5A3-congenital disorder of glycosylation. Last evaluated: 2024-06-17. Review status: criteria provided, single submitter. Criteria: Invitae Variant Classification Sherloc (09022015). Collection method: clinical testing. Allele origin: germline.
Comment: This sequence change replaces valine, which is neutral and non-polar, with isoleucine, which is neutral and non-polar, at codon 150 of the SRD5A3 protein (p.Val150Ile). This variant is present in population databases (rs151267741, gnomAD 0.06%). This variant has not been reported in the literature in individuals affected with SRD5A3-related conditions. ClinVar contains an entry for this variant (Variation ID: 903285). Advanced modeling of protein sequence and biophysical properties (such as structural, functional, and spatial information, amino acid conservation, physicochemical variation, residue mobility, and thermodynamic stability) performed at Invitae indicates that this missense variant is not expected to disrupt SRD5A3 protein function with a negative predictive value of 80%. In summary, the available evidence is currently insufficient to determine the role of this variant in disease. Therefore, it has been classified as a Variant of Uncertain Significance.

Ambry Genetics
Classification: Uncertain significance for Inborn genetic diseases. Last evaluated: 2021-06-11. Review status: criteria provided, single submitter. Criteria: Ambry Variant Classification Scheme 2023. Collection method: clinical testing. Allele origin: germline.

Illumina Laboratory Services, Illumina
Classification: Uncertain significance for SRD5A3-congenital disorder of glycosylation. Last evaluated: 2018-01-12. Review status: criteria provided, single submitter. Criteria: ICSL Variant Classification Criteria 13 December 2019. Collection method: clinical testing. Allele origin: germline.